The following is an entry in ClinVar:

ClinVar aggregate classification (germline): Uncertain significance (1 of 4 stars; one submission).

Conditions:
Ataxia-telangiectasia syndrome (AT). Also called: LOUIS-BAR SYNDROME; Cerebello-oculocutaneous telangiectasia; Immunodeficiency with ataxia telangiectasia; Ataxia telangiectasia (A-T); Ataxia-telangiectasia, complementation group D; AT, COMPLEMENTATION GROUP C. Identifiers: Orphanet 100, MedGen C0004135, MONDO:0008840, OMIM 208900.

Submission:

Labcorp Genetics (formerly Invitae), Labcorp
Classification: Uncertain significance for Ataxia-telangiectasia syndrome. Last evaluated: 2022-11-03. Review status: criteria provided, single submitter. Criteria: Invitae Variant Classification Sherloc (09022015). Collection method: clinical testing. Allele origin: germline.
Comment: In summary, the available evidence is currently insufficient to determine the role of this variant in disease. Therefore, it has been classified as a Variant of Uncertain Significance. Algorithms developed to predict the effect of missense changes on protein structure and function are either unavailable or do not agree on the potential impact of this missense change (SIFT: "Tolerated"; PolyPhen-2: "Possibly Damaging"; Align-GVGD: "Class C0"). This variant has not been reported in the literature in individuals affected with ATM-related conditions. This variant is not present in population databases (gnomAD no frequency). This sequence change replaces glutamine, which is neutral and polar, with glutamic acid, which is acidic and polar, at codon 2292 of the ATM protein (p.Gln2292Glu).

NM_000051.4(ATM):c.6874C>G (p.Gln2292Glu)

Genes: ATM (ATM serine/threonine kinase; plus strand), C11orf65 (chromosome 11 open reading frame 65; minus strand). Cytogenetic location: 11q22.3.
Variant type: single nucleotide variant.
Coding change: c.6874C>G on transcript NM_000051.4 (MANE Select); coding-DNA position 6874, C replaced by G.
Protein change: p.Gln2292Glu; replaces glutamine 2292 with glutamic acid.
Molecular consequence: missense variant. On other transcripts: intron variant (2).
Genome position (GRCh38, 1-based): chr11:108,326,124, C>G. VCF-style: chr11-108326124-C-G. GRCh37 (hg19) VCF-style: chr11-108196851-C-G.
Other names: c.6874C>G, p.Gln2292Glu (NM_001351834.2); c.641-17053G>C (NM_001330368.2); c.*38+9096G>C (NM_001351110.2); short protein forms Q2292E.
Identifiers: ClinVar variation 2811662 (VCV002811662.3), dbSNP rs2136334661, ClinGen allele CA382556789.